The following is an entry in ClinVar:

NM_000051.4(ATM):c.3747-8A>G

Gene: ATM (ATM serine/threonine kinase; plus strand). Cytogenetic location: 11q22.3.
Variant type: single nucleotide variant.
Coding change: c.3747-8A>G on transcript NM_000051.4 (MANE Select); 8 bases into the intron before coding-DNA position 3747, A replaced by G.
Molecular consequence: intron variant.
Genome position (GRCh38, 1-based): chr11:108,284,219, A>G. VCF-style: chr11-108284219-A-G. GRCh37 (hg19) VCF-style: chr11-108154946-A-G.
Other names: c.3747-8A>G (NM_001351834.2).
Identifiers: ClinVar variation 490546 (VCV000490546.17), dbSNP rs569612113, ClinGen allele CA228367981.

ClinVar aggregate classification (germline): Likely benign. Review status: criteria provided, multiple submitters, no conflicts (2 of 4 stars). 7 submissions from 7 submitters: Likely benign (7). Last evaluated 2025-12-08.

Conditions:
Ataxia-telangiectasia syndrome (AT). Also called: Cerebello-oculocutaneous telangiectasia; Immunodeficiency with ataxia telangiectasia; Ataxia-telangiectasia; Ataxia-telangiectasia, complementation group D; AT, COMPLEMENTATION GROUP C; ATAXIA-TELANGIECTASIA, COMPLEMENTATION GROUP A. Identifiers: Orphanet 100, MedGen C0004135, MONDO:0008840, OMIM 208900.
Familial cancer of breast. Also called: hereditary breast carcinoma; Hereditary breast cancer; BREAST CANCER, FAMILIAL. Identifiers: Orphanet 227535, MedGen C0346153, MONDO:0016419, OMIM 114480. Disease mechanism: loss of function.
Hereditary cancer-predisposing syndrome. Also called: Tumor predisposition; Hereditary Cancer Syndrome; Neoplastic Syndromes, Hereditary; Hereditary neoplastic syndrome. Identifiers: Orphanet 140162, MedGen C0027672, MeSH D009386, MONDO:0015356.
Hereditary breast ovarian cancer syndrome. Also called: Hereditary breast and ovarian cancer; Hereditary breast and ovarian cancer syndrome (HBOC); Hereditary breast and ovarian cancer syndrome; BRCA1- and BRCA2-Associated Hereditary Breast and Ovarian Cancer; Hereditary breast and/or ovarian cancer syndrome; Breast and ovarian cancer. Identifiers: Orphanet 145, MedGen C0677776, MeSH D061325, MONDO:0003582. Disease mechanism: loss of function.

Allele frequency attached by ClinVar (database versions not stated): gnomAD 0.00001; gnomAD exomes 0.00001; TOPMed 0.00001.
gnomAD v4.1: 14 of 1,593,746 alleles (0.00088%); highest among the groups gnomAD compares: African/African-American, 0.0081%; no homozygotes.

Submissions (7):

Labcorp Genetics (formerly Invitae), Labcorp
Classification: Likely benign for Ataxia-telangiectasia syndrome. Last evaluated: 2025-12-08. Review status: criteria provided, single submitter. Criteria: Invitae Variant Classification Sherloc (09022015). Collection method: clinical testing. Allele origin: germline.

ARUP Laboratories, Molecular Genetics and Genomics, ARUP Laboratories
Classification: Likely benign. Last evaluated: 2025-03-27. Review status: criteria provided, single submitter. Criteria: ARUP Molecular Germline Variant Investigation Process 2024. Collection method: clinical testing. Allele origin: germline.

Blueprint Genetics
Classification: Likely benign. Last evaluated: 2024-11-27. Review status: criteria provided, single submitter. Criteria: ACMG Guidelines, 2015. Collection method: clinical testing. Allele origin: germline.

Myriad Genetics, Inc.
Classification: Likely benign for Familial cancer of breast. Last evaluated: 2024-05-15. Review status: criteria provided, single submitter. Criteria: Myriad Autosomal Dominant, Autosomal Recessive and X-Linked Classification Criteria (2023). Collection method: clinical testing. Allele origin: unknown.
Comment: This variant is considered likely benign. This variant is intronic and is not expected to impact mRNA splicing.

National Health Laboratory Service, Universitas Academic Hospital and University of the Free State
Classification: Likely benign for Hereditary breast ovarian cancer syndrome. Last evaluated: 2022-04-19. Review status: criteria provided, single submitter. Criteria: ACMG Guidelines, 2015. Collection method: clinical testing. Allele origin: germline. Affected: yes. Observed: 7 variant alleles.

Color Diagnostics, LLC DBA Color Health
Classification: Likely benign for Hereditary cancer-predisposing syndrome. Last evaluated: 2017-10-12. Review status: criteria provided, single submitter. Criteria: ACMG Guidelines, 2015. Collection method: clinical testing. Allele origin: germline.

GeneDx
Classification: Likely benign. Last evaluated: 2017-09-12. Review status: criteria provided, single submitter. Criteria: GeneDx Variant Classification (06012015). Collection method: clinical testing. Allele origin: germline. Affected: yes.
Comment: This variant is considered likely benign or benign based on one or more of the following criteria: it is a conservative change, it occurs at a poorly conserved position in the protein, it is predicted to be benign by multiple in silico algorithms, and/or has population frequency not consistent with disease.